The following is an entry in ClinVar:

NM_001009944.3(PKD1):c.5330A>C (p.His1777Pro)

Gene: PKD1 (polycystin 1, transient receptor potential channel interacting; minus strand). Cytogenetic location: 16p13.3.
Variant type: single nucleotide variant.
Coding change: c.5330A>C on transcript NM_001009944.3 (MANE Select); coding-DNA position 5330, A replaced by C.
Protein change: p.His1777Pro; replaces histidine 1777 with proline.
Molecular consequence: missense variant.
Genome position (GRCh38, 1-based): chr16:2,109,837, T>G on the plus strand (A>C on the coding strand, the complement: PKD1 is on the minus strand). VCF-style: chr16-2109837-T-G. GRCh37 (hg19) VCF-style: chr16-2159838-T-G.
Other names: c.5330A>C, p.His1777Pro (NM_000296.4); short protein forms H1777P.
Identifiers: ClinVar variation 3579453 (VCV003579453.2).

ClinVar aggregate classification (germline): Uncertain significance. Review status: criteria provided, multiple submitters, no conflicts (2 of 4 stars). 2 submissions from 2 submitters: Uncertain significance (2). Last evaluated 2025-09-22.

Conditions:
Polycystic kidney disease, adult type (PKD1). Also called: Polycystic Kidney Disease 1, Autosomal Dominant; Polycystic kidney disease 1; Polycystic kidney disease 1, severe; POLYCYSTIC KIDNEY DISEASE 1 WITH OR WITHOUT POLYCYSTIC LIVER DISEASE; POLYCYSTIC KIDNEY DISEASE, ADULT, TYPE I; Polycystic Kidney, Autosomal Dominant. Identifiers: MedGen C3149841, MONDO:0008263, OMIM 173900.

gnomAD v4.1: 5 of 1,610,644 alleles (0.00031%); highest among the groups gnomAD compares: Non-Finnish European, 0.00025%; no homozygotes.

Submissions (2):

Women's Health and Genetics/Laboratory Corporation of America, LabCorp
Classification: Uncertain significance. Last evaluated: 2025-09-22. Review status: criteria provided, single submitter. Criteria: LabCorp Variant Classification Summary - May 2015. Collection method: clinical testing. Allele origin: germline.
Comment: Variant summary: PKD1 c.5330A>C (p.His1777Pro) results in a non-conservative amino acid change in the encoded protein sequence. Algorithms developed to predict the effect of missense changes on protein structure and function are either unavailable or do not agree on the potential impact of this missense change. The variant allele was found at a frequency of 4e-06 in 248798 control chromosomes. The available data on variant occurrences in the general population are insufficient to allow any conclusion about variant significance. To our knowledge, no occurrence of c.5330A>C in individuals affected with PKD1-related conditions and no experimental evidence demonstrating its impact on protein function have been reported. ClinVar contains an entry for this variant (Variation ID: 3579453). Based on the evidence outlined above, the variant was classified as uncertain significance.

Fulgent Genetics
Classification: Uncertain significance for Polycystic kidney disease, adult type. Last evaluated: 2024-04-04. Review status: criteria provided, single submitter. Criteria: ACMG Guidelines, 2015. Collection method: clinical testing. Allele origin: germline.